The following is an entry in ClinVar:

NM_000140.5(FECH):c.892C>T (p.Arg298Ter)

Gene: FECH (ferrochelatase; minus strand). Cytogenetic location: 18q21.31.
Variant type: single nucleotide variant.
Coding change: c.892C>T on transcript NM_000140.5 (MANE Select); coding-DNA position 892, C replaced by T.
Protein change: p.Arg298Ter; replaces arginine 298 with a stop codon.
Molecular consequence: nonsense.
Genome position (GRCh38, 1-based): chr18:57,554,865, G>A on the plus strand (C>T on the coding strand, the complement: FECH is on the minus strand). VCF-style: chr18-57554865-G-A. GRCh37 (hg19) VCF-style: chr18-55222097-G-A.
Other names: c.892C>T (NM_000140.3); c.910C>T, p.Arg304Ter (NM_001012515.4); c.793C>T, p.Arg265Ter (NM_001371094.1); c.676C>T, p.Arg226Ter (NM_001371095.1); c.892C>T, p.Arg298Ter (NM_001374778.1); short protein forms R226*, R265*, R298*, R304*.
Identifiers: ClinVar variation 1708448 (VCV001708448.8), dbSNP rs2050848238, ClinGen allele CA402541123.

ClinVar aggregate classification (germline): Pathogenic/Likely pathogenic. Review status: criteria provided, multiple submitters, no conflicts (2 of 4 stars). 4 submissions from 4 submitters: Pathogenic (3); Likely pathogenic (1). Last evaluated 2026-05-11.

Conditions:
FECH-related disorders.
FECH-related disorder. Also called: FECH-related condition.

Allele frequency attached by ClinVar (database versions not stated): gnomAD exomes below 0.00001; TOPMed 0.00001.
gnomAD v4.1: 3 of 1,614,092 alleles (0.00019%); highest among the groups gnomAD compares: East Asian, 0.0022%; no homozygotes.

Submissions (4):

PreventionGenetics, part of Exact Sciences
Classification: Pathogenic for FECH-related condition. Last evaluated: 2026-05-11. Review status: criteria provided, single submitter. Criteria: ACMG Guidelines, 2015. Collection method: clinical testing. Allele origin: germline.
Comment: The FECH c.892C>T variant is predicted to result in premature protein termination (p.Arg298*). This variant was reported in an individual with erythropoietic protoporphyria (Huang et al. 2022. PubMed ID: 39958623). This variant has not been reported in a large population database (gnomAD), indicating this variant is rare. Nonsense variants in FECH are expected to be pathogenic. This variant is interpreted as pathogenic.

Labcorp Genetics (formerly Invitae), Labcorp
Classification: Pathogenic. Last evaluated: 2024-03-04. Review status: criteria provided, single submitter. Criteria: Invitae Variant Classification Sherloc (09022015). Collection method: clinical testing. Allele origin: germline.
Comment: This sequence change creates a premature translational stop signal (p.Arg298*) in the FECH gene. It is expected to result in an absent or disrupted protein product. Loss-of-function variants in FECH are known to be pathogenic (PMID: 20105171, 23016163, 23364466). This variant is not present in population databases (gnomAD no frequency). This premature translational stop signal has been observed in individual(s) with erythropoietic protoporphyria (PMID: 22591014, 33021473). ClinVar contains an entry for this variant (Variation ID: 1708448). For these reasons, this variant has been classified as Pathogenic.

Centre of Medical Genetics, University Hospital Muenster
Classification: Pathogenic. Last evaluated: 2021-12-08. Review status: criteria provided, single submitter. Criteria: ACMG Guidelines, 2015. Collection method: clinical testing. Allele origin: unknown. Affected: yes. Observed: 1 variant allele, 1 heterozygote.
Comment: ACMG categories: PVS1,PM2,PP3

Blueprint Genetics
Classification: Likely pathogenic for FECH-related disorders. Last evaluated: 2021-06-17. Review status: criteria provided, single submitter. Criteria: ACMG Guidelines, 2015. Collection method: clinical testing. Allele origin: germline. Affected: yes. Observed: 1 variant allele.

Literature cited by the submitters: PubMed 20105171 (cited by Labcorp Genetics (formerly Invitae), Labcorp); PubMed 23016163 (cited by Labcorp Genetics (formerly Invitae), Labcorp); PubMed 23364466 (cited by Labcorp Genetics (formerly Invitae), Labcorp); PubMed 22591014 (cited by Labcorp Genetics (formerly Invitae), Labcorp); PubMed 33021473 (cited by Labcorp Genetics (formerly Invitae), Labcorp).